The following is an entry in ClinVar:

NM_000384.3(APOB):c.6283G>C (p.Val2095Leu)

Gene: APOB (apolipoprotein B; minus strand). Cytogenetic location: 2p24.1.
Variant type: single nucleotide variant.
Coding change: c.6283G>C on transcript NM_000384.3 (MANE Select); coding-DNA position 6283, G replaced by C.
Protein change: p.Val2095Leu; replaces valine 2095 with leucine.
Molecular consequence: missense variant.
Genome position (GRCh38, 1-based): chr2:21,010,585, C>G on the plus strand (G>C on the coding strand, the complement: APOB is on the minus strand). VCF-style: chr2-21010585-C-G. GRCh37 (hg19) VCF-style: chr2-21233457-C-G.
Other names: short protein forms V2095L.
Identifiers: ClinVar variation 2446981 (VCV002446981.2), dbSNP rs200874264, ClinGen allele CA346002104.
Genomic context (GRCh38, chr2:21,010,585, plus strand): 5'-GGGCTGCTCTGTATTTTCTTACAAATTGATCAATATTGATGTGCTTCAGGTTTCTCTGTA[C>G]GTTTTCCAGTACAACTATAATGGTTTGTCGATTCCTCTCAAAATATTCTTGCAAGGTCTC-3'
Protein context (NP_000375.3, residues 2085-2105): RQTIIVVLEN[Val2095Leu]QRNLKHINID

ClinVar aggregate classification (germline): Uncertain significance (1 of 4 stars; one submission).

Conditions:
Cardiovascular phenotype. Identifiers: MedGen CN230736.

Submission:

Ambry Genetics
Classification: Uncertain significance for Cardiovascular phenotype. Last evaluated: 2023-02-10. Review status: criteria provided, single submitter. Criteria: Ambry Variant Classification Scheme 2023. Collection method: clinical testing. Allele origin: germline.
Comment: The p.V2095L variant (also known as c.6283G>C), located in coding exon 26 of the APOB gene, results from a G to C substitution at nucleotide position 6283. The valine at codon 2095 is replaced by leucine, an amino acid with highly similar properties. This amino acid position is conserved. In addition, this alteration is predicted to be tolerated by in silico analysis. Since supporting evidence is limited at this time, the clinical significance of this alteration remains unclear.